The following is an entry in ClinVar:

NM_000210.4(ITGA6):c.2402+1G>A

Genes: ITGA6 (integrin subunit alpha 6; plus strand), PDK1-AS1 (PDK1 and ITGA6 antisense RNA 1; minus strand). Cytogenetic location: 2q31.1.
Variant type: single nucleotide variant.
Coding change: c.2402+1G>A on transcript NM_000210.4 (MANE Select); the canonical splice donor site of the intron after coding-DNA position 2402, G replaced by A.
Molecular consequence: splice donor variant.
Genome position (GRCh38, 1-based): chr2:172,488,039, G>A. VCF-style: chr2-172488039-G-A. GRCh37 (hg19) VCF-style: chr2-173352767-G-A.
Other names: c.2045+1G>A (NM_001316306.2); c.2519+1G>A (NM_001394928.1); c.2402+1G>A (NM_001079818.3, NM_001365530.2, NM_001365529.2).
Identifiers: ClinVar variation 4797599 (VCV004797599.1).

ClinVar aggregate classification (germline): Likely pathogenic (1 of 4 stars; one submission).

Submission:

Labcorp Genetics (formerly Invitae), Labcorp
Classification: Likely pathogenic. Last evaluated: 2025-07-29. Review status: criteria provided, single submitter. Criteria: Invitae Variant Classification Sherloc (09022015). Collection method: clinical testing. Allele origin: germline.
Comment: This sequence change affects a donor splice site in intron 18 of the ITGA6 gene. It is expected to disrupt RNA splicing. Variants that disrupt the donor or acceptor splice site typically lead to a loss of protein function (PMID: 16199547), and loss-of-function variants in ITGA6 are known to be pathogenic (PMID: 9158140, 9185503, 9804362, 27607025). This variant is not present in population databases (gnomAD no frequency). This variant has not been reported in the literature in individuals affected with ITGA6-related conditions. Algorithms developed to predict the effect of sequence changes on RNA splicing suggest that this variant may disrupt the consensus splice site. In summary, the currently available evidence indicates that the variant is pathogenic, but additional data are needed to prove that conclusively. Therefore, this variant has been classified as Likely Pathogenic.

Literature cited by the submitters: PubMed 16199547; PubMed 9158140; PubMed 9185503; PubMed 9804362; PubMed 27607025.